The following is an entry in ClinVar:

NM_199355.4(ADAMTS18):c.688A>C (p.Ser230Arg)

Gene: ADAMTS18 (ADAM metallopeptidase with thrombospondin type 1 motif 18; minus strand). Cytogenetic location: 16q23.1.
Variant type: single nucleotide variant.
Coding change: c.688A>C on transcript NM_199355.4 (MANE Select); coding-DNA position 688, A replaced by C.
Protein change: p.Ser230Arg; replaces serine 230 with arginine.
Molecular consequence: missense variant.
Genome position (GRCh38, 1-based): chr16:77,367,531, T>G on the plus strand (A>C on the coding strand, the complement: ADAMTS18 is on the minus strand). VCF-style: chr16-77367531-T-G. GRCh37 (hg19) VCF-style: chr16-77401428-T-G.
Other names: c.168A>C, p.Gln56His (NM_001326358.2); short protein forms Q56H, S230R.
Identifiers: ClinVar variation 2061430 (VCV002061430.4), dbSNP rs199615040, ClinGen allele CA396824056.
Genomic context (GRCh38, chr16:77,367,531, plus strand): 5'-TTTGCAACCTTCGATGGTGATACTCTGTCTCTCGACTCTGAGATGCATGGGGAATGTGAC[T>G]TGGGGAGTAACCAGGATAATTCCGGCCAGAGCCGGGGTAGCCACGGTACCGCTGGATCTT-3'
Protein context (NP_955387.1, residues 220-240): SGRNYPGYSP[Ser230Arg]HIPHASQSRE

ClinVar aggregate classification (germline): Uncertain significance (1 of 4 stars; one submission).

Submission:

Labcorp Genetics (formerly Invitae), Labcorp
Classification: Uncertain significance. Last evaluated: 2022-08-11. Review status: criteria provided, single submitter. Criteria: Invitae Variant Classification Sherloc (09022015). Collection method: clinical testing. Allele origin: germline.
Comment: This variant is not present in population databases (gnomAD no frequency). This sequence change replaces serine, which is neutral and polar, with arginine, which is basic and polar, at codon 230 of the ADAMTS18 protein (p.Ser230Arg). This variant has not been reported in the literature in individuals affected with ADAMTS18-related conditions. Algorithms developed to predict the effect of missense changes on protein structure and function output the following: SIFT: "Not Available"; PolyPhen-2: "Benign"; Align-GVGD: "Not Available". The arginine amino acid residue is found in multiple mammalian species, which suggests that this missense change does not adversely affect protein function. In summary, the available evidence is currently insufficient to determine the role of this variant in disease. Therefore, it has been classified as a Variant of Uncertain Significance.